The following is an entry in ClinVar:

ClinVar aggregate classification (germline): Uncertain significance. Review status: criteria provided, multiple submitters, no conflicts (2 of 4 stars). 4 submissions from 4 submitters: Uncertain significance (4). Last evaluated 2025-02-07.

Conditions:
Hyperuricemia, pulmonary hypertension, renal failure, alkalosis syndrome (HUPRAS). Also called: HYPERURICEMIA, PULMONARY HYPERTENSION, RENAL FAILURE, AND ALKALOSIS SYNDROME; HUPRA SYNDROME. Identifiers: Orphanet 363694, MedGen C3151209, MONDO:0013458, OMIM 613845.

Allele frequency attached by ClinVar (database versions not stated): gnomAD exomes below 0.00001; ExAC 0.00001; TOPMed 0.00002; gnomAD 0.00003.

Submissions (4):

Ambry Genetics
Classification: Uncertain significance. Last evaluated: 2025-02-07. Review status: criteria provided, single submitter. Criteria: Ambry Variant Classification Scheme 2023. Collection method: clinical testing. Allele origin: germline.

Labcorp Genetics (formerly Invitae), Labcorp
Classification: Uncertain significance. Last evaluated: 2024-12-12. Review status: criteria provided, single submitter. Criteria: Invitae Variant Classification Sherloc (09022015). Collection method: clinical testing. Allele origin: germline.
Comment: This sequence change replaces leucine, which is neutral and non-polar, with histidine, which is basic and polar, at codon 159 of the SARS2 protein (p.Leu159His). This variant is present in population databases (rs776868922, gnomAD 0.006%). This variant has not been reported in the literature in individuals affected with SARS2-related conditions. ClinVar contains an entry for this variant (Variation ID: 2062739). An algorithm developed to predict the effect of missense changes on protein structure and function (PolyPhen-2) suggests that this variant is likely to be disruptive. In summary, the available evidence is currently insufficient to determine the role of this variant in disease. Therefore, it has been classified as a Variant of Uncertain Significance.

Blueprint Genetics
Classification: Uncertain significance. Last evaluated: 2024-09-11. Review status: criteria provided, single submitter. Criteria: ACMG Guidelines, 2015. Collection method: clinical testing. Allele origin: germline.

Fulgent Genetics
Classification: Uncertain significance for Hyperuricemia, pulmonary hypertension, renal failure, alkalosis syndrome. Last evaluated: 2024-03-01. Review status: criteria provided, single submitter. Criteria: ACMG Guidelines, 2015. Collection method: clinical testing. Allele origin: germline.

NM_017827.4(SARS2):c.476T>A (p.Leu159His)

Gene: SARS2 (seryl-tRNA synthetase 2, mitochondrial; minus strand). Cytogenetic location: 19q13.2.
Variant type: single nucleotide variant.
Coding change: c.476T>A on transcript NM_017827.4 (MANE Select); coding-DNA position 476, T replaced by A.
Protein change: p.Leu159His; replaces leucine 159 with histidine.
Molecular consequence: missense variant.
Genome position (GRCh38, 1-based): chr19:38,921,585, A>T on the plus strand (T>A on the coding strand, the complement: SARS2 is on the minus strand). VCF-style: chr19-38921585-A-T. GRCh37 (hg19) VCF-style: chr19-39412225-A-T.
Other names: c.482T>A, p.Leu161His (NM_001145901.2); short protein forms L161H, L159H.
Identifiers: ClinVar variation 2062739 (VCV002062739.6), dbSNP rs776868922, ClinGen allele CA9423171.